The following is an entry in ClinVar:

NM_019842.4(KCNQ5):c.326G>T (p.Arg109Leu)

Genes: KCNQ5 (potassium voltage-gated channel subfamily Q member 5; plus strand), KCNQ5-DT (KCNQ5 divergent transcript; minus strand). Cytogenetic location: 6q13.
Variant type: single nucleotide variant.
Coding change: c.326G>T on transcript NM_019842.4 (MANE Select); coding-DNA position 326, G replaced by T.
Protein change: p.Arg109Leu; replaces arginine 109 with leucine.
Molecular consequence: missense variant.
Genome position (GRCh38, 1-based): chr6:72,622,515, G>T. VCF-style: chr6-72622515-G-T. GRCh37 (hg19) VCF-style: chr6-73332243-G-T.
Other names: c.326G>T, p.Arg109Leu (NM_001160130.2, NM_001160132.2, NM_001160133.2 and 1 more transcripts); short protein forms R109L.
Identifiers: ClinVar variation 1321257 (VCV001321257.1), dbSNP rs2154471240, ClinGen allele CA364824614.
Genomic context (GRCh38, chr6:72,622,515, plus strand): 5'-TGCTGGGGAAGCCGCTCTCTTACACGAGTAGCCAGAGCTGCCGGCGCAACGTCAAGTACC[G>T]GCGGGTGCAGAACTACCTGTACAACGTGCTGGAGAGACCCCGCGGCTGGGCGTTCATCTA-3'
Protein context (NP_062816.2, residues 99-119): SQSCRRNVKY[Arg109Leu]RVQNYLYNVL

ClinVar aggregate classification (germline): Uncertain significance (1 of 4 stars; one submission).

Conditions:
Intellectual developmental disorder, autosomal dominant 46. Also called: MENTAL RETARDATION, AUTOSOMAL DOMINANT 46; Intellectual disability, autosomal dominant 46. Identifiers: MedGen C4539851, MONDO:0030911, OMIM 617601.

Submission:

3billion
Classification: Uncertain significance for Intellectual developmental disorder, autosomal dominant 46. Last evaluated: 2021-10-25. Review status: criteria provided, single submitter. Criteria: ACMG Guidelines, 2015. Collection method: clinical testing. Allele origin: unknown. Affected: yes. Observed: 1 heterozygote.
Comment: This variant is not observed in the gnomAD v2.1.1 dataset (PM2). In silico tool predictions suggest damaging effect of the variant on gene or gene product (REVEL: 0.698, PP3). Therefore, this variant is classified as uncertain significance according to the recommendation of ACMG/AMP guideline.